The following is an entry in ClinVar:

NM_001127511.3(APC):c.-114C>A

Gene: APC (APC regulator of Wnt signaling pathway; plus strand). Cytogenetic location: 5q22.2.
Variant type: single nucleotide variant.
Coding change: c.-114C>A on transcript NM_001127511.3; 114 bases upstream of the start codon, C replaced by A.
Molecular consequence: 5 prime UTR variant. On other transcripts: non-coding transcript variant (2).
Genome position (GRCh38, 1-based): chr5:112,707,604, C>A. VCF-style: chr5-112707604-C-A. GRCh37 (hg19) VCF-style: chr5-112043301-C-A.
Other names: c.-297C>A (NM_001354895.2, NM_001407447.1, NM_001407452.1 and 3 more transcripts); c.-114C>A (NM_001354897.2, NM_001354902.2, NM_001407446.1); c.-64C>A (NM_001407448.1, NM_001407450.1, NM_001407457.1 and 1 more transcripts); c.-88C>A (NM_001407453.1); c.-1332C>A (NM_001407470.1, NM_001407472.1).
Identifiers: ClinVar variation 1025706 (VCV001025706.7), dbSNP rs1452815000, ClinGen allele CA1573442525.

ClinVar aggregate classification (germline): Uncertain significance (1 of 4 stars; one submission).

Conditions:
Familial adenomatous polyposis 1 (FAP1). Also called: FAMILIAL ADENOMATOUS POLYPOSIS 1, ATTENUATED; POLYPOSIS, ADENOMATOUS INTESTINAL. Identifiers: MedGen C2713442, MONDO:0021056, OMIM 175100. Disease mechanism: loss of function.

Submission:

Labcorp Genetics (formerly Invitae), Labcorp
Classification: Uncertain significance for Familial adenomatous polyposis 1. Last evaluated: 2022-10-13. Review status: criteria provided, single submitter. Criteria: Invitae Variant Classification Sherloc (09022015). Collection method: clinical testing. Allele origin: germline.
Comment: This variant has not been reported in the literature in individuals affected with APC-related conditions. This variant is not present in population databases (gnomAD no frequency). This variant occurs in a non-coding region of the APC gene. It does not change the encoded amino acid sequence of the APC protein. In summary, the available evidence is currently insufficient to determine the role of this variant in disease. Therefore, it has been classified as a Variant of Uncertain Significance. Experimental studies and prediction algorithms are not available or were not evaluated, and the functional significance of this variant is currently unknown.